The following is an entry in ClinVar:

ClinVar aggregate classification (germline): Uncertain significance (1 of 4 stars; one submission).

Submission:

Broad Center for Mendelian Genomics, Broad Institute of MIT and Harvard
Classification: Uncertain significance. Last evaluated: 2019-02-07. Review status: criteria provided, single submitter. Criteria: ACMG Guidelines, 2015. Collection method: research. Allele origin: de novo. Inheritance: Autosomal dominant inheritance. Affected: yes.
Comment: The p.Gln1496Lysfs*39 variant in KMT2E has not been previously reported in individuals with intellectual disabilities or developmental delay and was absent from large population studies, though the ability of these studies to accurately detect indels may be limited. This variant is predicted to cause a frameshift, which alters the proteinâ€™s amino acid sequence beginning at position 1496 and leads to a premature termination codon 39 amino acids downstream. This alteration is then predicted to lead to a truncated or absent protein. This alteration is then predicted to lead to a truncated or absent protein. It is of note, that loss of function of the KMT2E gene in autosomal dominant disease has not yet been established based on the criteria laid out in Tayoun, 2018 (PMID: 30192042). In summary, while there is some suspicion for a pathogenic role, the clinical significance of this variant is uncertain.

NM_182931.3(KMT2E):c.4485_4486del (p.Gln1496fs)

Gene: KMT2E (lysine methyltransferase 2E (inactive); plus strand). Cytogenetic location: 7q22.3.
Variant type: Deletion.
Coding change: c.4485_4486del on transcript NM_182931.3 (MANE Select); coding-DNA positions 4485 to 4486, 2 bases deleted (TC; older notation c.4485_4486delTC).
Protein change: p.Gln1496fs; shifts the reading frame from glutamine 1496.
Molecular consequence: frameshift variant.
Genome position (GRCh38, 1-based): chr7:105,112,241-105,112,242, TC deleted; deleting any 2 consecutive bases within chr7:105,112,240-105,112,242 gives the same sequence; the c. name uses the placement nearest the transcript's 3' end. VCF-style (leftmost placement, unchanged base first): chr7-105112239-CCT-C. GRCh37 (hg19) VCF-style: chr7-104752686-CCT-C.
Other names: c.4485_4486del, p.Gln1496fs (NM_018682.4); short protein forms Q1496fs.
Identifiers: ClinVar variation 805935 (VCV000805935.2), dbSNP rs1584817845, ClinGen allele CA913184819.
Genomic context (GRCh38, chr7:105,112,239, plus strand): 5'-GGATCTCCCTACAGGCCTCATCATTCACAGTCACCTCAAGTTGGAACACCTCAGCGAGAG[CCT>C]CAAAGAAACTTTTATCCAGCAGCACAGAACCTTCCAGCCAATACTCAGCAGGCAACTTCT-3'